The following is an entry in ClinVar:

NM_001018005.2(TPM1):c.358G>A (p.Ala120Thr)

Gene: TPM1 (tropomyosin 1; plus strand). Cytogenetic location: 15q22.2.
Variant type: single nucleotide variant.
Coding change: c.358G>A on transcript NM_001018005.2 (MANE Select); coding-DNA position 358, G replaced by A.
Protein change: p.Ala120Thr; replaces alanine 120 with threonine.
Molecular consequence: missense variant. On other transcripts: non-coding transcript variant (17).
Genome position (GRCh38, 1-based): chr15:63,057,102, G>A. VCF-style: chr15-63057102-G-A. GRCh37 (hg19) VCF-style: chr15-63349301-G-A.
Other names: c.358G>A, p.Ala120Thr (NM_001407325.1, NM_001407326.1, NM_001407327.1 and 20 more transcripts); c.250G>A, p.Ala84Thr (NM_001407340.1, NM_001407341.1, NM_001407342.1 and 9 more transcripts); c.484G>A, p.Ala162Thr (NM_001365778.1, NM_001407322.1, NM_001407323.1 and 1 more transcripts); short protein forms A120T, A162T, A84T.
Identifiers: ClinVar variation 5036895 (VCV005036895.1).

ClinVar aggregate classification (germline): Uncertain significance (1 of 4 stars; one submission).

Submission:

GeneDx
Classification: Uncertain significance. Last evaluated: 2026-04-17. Review status: criteria provided, single submitter. Criteria: GeneDx Variant Classification Process June 2021. Collection method: clinical testing. Allele origin: germline.
Comment: Not observed at significant frequency in large population cohorts (gnomAD); In silico analysis supports that this missense variant has a deleterious effect on protein structure/function; Has not been previously published as pathogenic or benign to our knowledge